The following is an entry in ClinVar:

NM_000093.5(COL5A1):c.28C>T (p.Arg10Cys)

Gene: COL5A1 (collagen type V alpha 1 chain; plus strand). Cytogenetic location: 9q34.3.
Variant type: single nucleotide variant.
Coding change: c.28C>T on transcript NM_000093.5 (MANE Select); coding-DNA position 28, C replaced by T.
Protein change: p.Arg10Cys; replaces arginine 10 with cysteine.
Molecular consequence: missense variant.
Genome position (GRCh38, 1-based): chr9:134,642,215, C>T. VCF-style: chr9-134642215-C-T. GRCh37 (hg19) VCF-style: chr9-137534061-C-T.
Other names: c.28C>T (NM_000093.3); c.28C>T, p.Arg10Cys (NM_001278074.1); short protein forms R10C.
Identifiers: ClinVar variation 459666 (VCV000459666.45), dbSNP rs1457110544, ClinGen allele CA375443814.

ClinVar aggregate classification (germline): Conflicting classifications of pathogenicity. Review status: criteria provided, conflicting classifications (1 of 4 stars). 5 submissions from 5 submitters: Uncertain significance (4); Benign (1). Last evaluated 2026-01-25.

Conditions:
Ehlers-Danlos syndrome, classic type, 1 (EDSCL1). Also called: EDS I; Ehlers-Danlos syndrome, type 1; Ehlers-Danlos Syndrome, Classic Type, COL5A1-Related; EHLERS-DANLOS SYNDROME, GRAVIS TYPE; EHLERS-DANLOS SYNDROME, SEVERE CLASSIC TYPE. Identifiers: MedGen C0268335, MONDO:0019567, OMIM 130000.
Familial thoracic aortic aneurysm and aortic dissection (TAAD). Also called: Thoracic aortic aneurysms and dissections. Identifiers: Orphanet 91387, MedGen C4707243, MONDO:0019625.
COL5A1-related disorder. Also called: COL5A1-related condition.

Allele frequency attached by ClinVar (database versions not stated): gnomAD exomes 0.00003 and 0.00004; gnomAD 0.00005; TOPMed 0.00002.
gnomAD v4.1: 45 of 1,304,810 alleles (0.0034%); highest among the groups gnomAD compares: Non-Finnish European, 0.0043%; no homozygotes.

Submissions (5):

Labcorp Genetics (formerly Invitae), Labcorp
Classification: Benign for Ehlers-Danlos syndrome, classic type, 1. Last evaluated: 2026-01-25. Review status: criteria provided, single submitter. Criteria: Invitae Variant Classification Sherloc (09022015). Collection method: clinical testing. Allele origin: germline.

Ambry Genetics
Classification: Uncertain significance for Familial thoracic aortic aneurysm and aortic dissection. Last evaluated: 2025-10-08. Review status: criteria provided, single submitter. Criteria: Ambry Variant Classification Scheme 2023. Collection method: clinical testing. Allele origin: germline.
Comment: The p.R10C variant (also known as c.28C>T), located in coding exon 1 of the COL5A1 gene, results from a C to T substitution at nucleotide position 28. The arginine at codon 10 is replaced by cysteine, an amino acid with highly dissimilar properties. This amino acid position is highly conserved in available vertebrate species. In addition, the in silico prediction for this alteration is inconclusive. Based on the available evidence, the clinical significance of this variant remains unclear.

GeneDx
Classification: Uncertain significance. Last evaluated: 2024-09-11. Review status: criteria provided, single submitter. Criteria: GeneDx Variant Classification Process June 2021. Collection method: clinical testing. Allele origin: germline. Affected: yes.
Comment: Has not been previously published as pathogenic or benign to our knowledge; Not located in the triple helical region, where the majority of pathogenic missense variants occur (PMID: 22696272; HGMD); In silico analysis indicates that this missense variant does not alter protein structure/function; This variant is associated with the following publications: (PMID: 22696272)

PreventionGenetics, part of Exact Sciences
Classification: Uncertain significance for COL5A1-related condition. Last evaluated: 2023-04-01. Review status: criteria provided, single submitter. Criteria: ACMG Guidelines, 2015. Collection method: clinical testing. Allele origin: germline.
Comment: The COL5A1 c.28C>T variant is predicted to result in the amino acid substitution p.Arg10Cys. To our knowledge, this variant has not been reported in the literature. This variant is reported in 0.014% of alleles in individuals of European (Non-Finnish) descent in gnomAD. At this time, the clinical significance of this variant is uncertain due to the absence of conclusive functional and genetic evidence.

CeGaT Center for Human Genetics Tuebingen
Classification: Uncertain significance. Last evaluated: 2021-07-01. Review status: criteria provided, single submitter. Criteria: CeGaT Center For Human Genetics Tuebingen Variant Classification Criteria Version 2. Collection method: clinical testing. Allele origin: germline. Affected: yes. Observed: 1 variant allele.